The following is an entry in ClinVar:

ClinVar aggregate classification (germline): Conflicting classifications of pathogenicity. Review status: criteria provided, conflicting classifications (1 of 4 stars). 11 submissions from 10 submitters: Likely pathogenic (8); Uncertain significance (3). Last evaluated 2026-05-06.

Conditions:
Alport syndrome. Also called: Hemorrhagic familial nephritis; Hemorrhagic hereditary nephritis; Congenital hereditary hematuria. Identifiers: Orphanet 63, MedGen C1567741, MONDO:0018965.
Benign familial hematuria. Also called: thin basement membrane disease. Identifiers: MedGen C0241908, MONDO:0957317.
Autosomal dominant Alport syndrome (ATS3A). Also called: ALPORT SYNDROME 3A, AUTOSOMAL DOMINANT; Alport syndrome dominant type; Renal failure and sensorineural hearing loss. Identifiers: Orphanet 63, Orphanet 88918, MedGen C5882663, MONDO:0007086, OMIM 104200.
Hematuria, benign familial, 1 (BFH1). Also called: THIN MEMBRANE NEPHROPATHY. Identifiers: MedGen CN376803, MONDO:0007709, OMIM 141200.
COL4A4-related disorder.
Autosomal recessive Alport syndrome (ATS2). Also called: COL4A4 Alport Syndrome and Thin Basement Membrane Nephropathy; ALPORT SYNDROME 2, AUTOSOMAL RECESSIVE; Alport syndrome type 2; COL4A3-Related Nephropathy. Identifiers: Orphanet 63, Orphanet 88919, MedGen C4746745, MONDO:0008762, OMIM 203780.

Allele frequency attached by ClinVar (database versions not stated): TOPMed 0.00001; ExAC 0.00001; gnomAD exomes 0.00001.
gnomAD v4.1: 19 of 1,614,182 alleles (0.0012%); highest among the groups gnomAD compares: Non-Finnish European, 0.0016%; no homozygotes.

Submissions (11):

Centre de Génétique Humaine, Institut de Pathologie Et de Génétique
Classification: Likely pathogenic for Autosomal recessive Alport syndrome. Last evaluated: 2026-05-06. Review status: criteria provided, single submitter. Criteria: ACMG Guidelines, 2015. Collection method: clinical testing. Allele origin: germline. Inheritance: Autosomal recessive inheritance. Affected: yes. Observed: 1 variant allele, 1 compound heterozygote. Segregation with disease not observed.
Comment: This missense variant involves a highly conserved glycine located in a ‘Gly-X-Y’ motif in collagenous region, which is characteristic of the pathogenic variants identified in the COL4A4 gene (PM1,PP2). This variant is rare: allelic frequency of 0.0012% in gnomAD v4.1.0 database (PM2). Another missense variant affecting the same residue described as LP, PMID: 30076350: c.2311G>A, p.(Gly771Arg), (PM5). In silico analysis supports that this missense variant has a deleterious effect (PP3). Described as LP (PP5)

Centre de Génétique Humaine, Institut de Pathologie Et de Génétique
Classification: Likely pathogenic for Autosomal dominant Alport syndrome; Hematuria, benign familial, 1. Last evaluated: 2026-05-06. Review status: criteria provided, single submitter. Criteria: ACMG Guidelines, 2015. Collection method: clinical testing. Allele origin: germline, paternal. Inheritance: Autosomal dominant inheritance. Affected: yes. Observed: 6 variant alleles, 6 heterozygotes. Clinical features observed: Microscopic hematuria (HP:0002907), Hypertensive disorder (HP:0000822), Stage 2 chronic kidney disease (HP:0012624), Severe albuminuria (HP:0033066), Stage 3 chronic kidney disease (HP:0012625). Segregation with disease observed.
Comment: the same text as in the submission from Centre de Génétique Humaine, Institut de Pathologie Et de Génétique above.

PreventionGenetics, part of Exact Sciences
Classification: Likely pathogenic for COL4A4-related condition. Last evaluated: 2026-04-01. Review status: criteria provided, single submitter. Criteria: ACMG Guidelines, 2015. Collection method: clinical testing. Allele origin: germline.
Comment: The COL4A4 c.2312G>A variant is predicted to result in the amino acid substitution p.Gly771Glu. This variant has been reported in the heterozygous state in an individual with chronic kidney disease (Table S3, Bleyer et al. 2022. PubMed ID: 35325889) and in the compound heterozygous state in an individual with clinical features of Alport syndrome (Table S2, Jayasinghe et al. 2021. PubMed ID: 32939031). This variant affects a Gly residue of the conserved triple helical domain, where substitutions of the glycine are usually pathogenic. Of note, a different substitution at the same codon (p.Gly771Arg) has been reported to be pathogenic for Alport Syndrome (Supplementary Table 1, Sun et al. 2018. PubMed ID: 30076350). This variant is reported in 0.0018% of alleles in individuals of European (non-Finnish) descent in gnomAD. This variant is interpreted as likely pathogenic.

Women's Health and Genetics/Laboratory Corporation of America, LabCorp
Classification: Uncertain significance. Last evaluated: 2025-10-29. Review status: criteria provided, single submitter. Criteria: LabCorp Variant Classification Summary - May 2015. Collection method: clinical testing. Allele origin: germline.
Comment: Variant summary: COL4A4 c.2312G>A (p.Gly771Glu) results in a non-conservative amino acid change in the encoded protein sequence. Algorithms developed to predict the effect of missense changes on protein structure and function all suggest that this variant is likely to be disruptive. The variant allele was found at a frequency of 8e-06 in 249568 control chromosomes. The available data on variant occurrences in the general population are insufficient to allow any conclusion about variant significance. c.2312G>A has been observed in and individual affected with Alport Syndrome, Autosomal Recessive (Jayasinghe_2021) and an individual affected with kidney disease (Bleyer_2022). These data do not allow any conclusion about variant significance. To our knowledge, no experimental evidence demonstrating an impact on protein function has been reported. The following publications have been ascertained in the context of this evaluation (PMID: 35325889, 32939031). ClinVar contains an entry for this variant (Variation ID: 975092). Based on the evidence outlined above, the variant was classified as uncertain significance.

Natera, Inc.
Classification: Likely pathogenic for Alport syndrome. Last evaluated: 2025-10-27. Review status: criteria provided, single submitter. Criteria: Natera Variant Classification Schema (03/2026). Collection method: clinical testing. Allele origin: germline.
Comment: The c.2312G>A variant in COL4A4 is a missense variant predicted to cause substitution of glycine to glutamic acid at amino acid 771. This variant is rare in the general population with a frequency below the threshold expected for the associated phenotype(s). This variant is located in a functionally critical region of the protein. Computational prediction algorithms indicate this variant is likely to affect gene or protein function. Given the available evidence, this variant is classified as Likely Pathogenic.

Mayo Clinic Laboratories, Mayo Clinic
Classification: Likely pathogenic. Last evaluated: 2025-07-14. Review status: criteria provided, single submitter. Criteria: ACMG Guidelines, 2015. Collection method: clinical testing. Allele origin: germline. Observed: 1 variant allele.
Comment: PP3_strong, PM1_strong

Myriad Genetics, Inc.
Classification: Likely pathogenic for Alport syndrome. Last evaluated: 2025-02-28. Review status: criteria provided, single submitter. Criteria: Myriad Autosomal Dominant, Autosomal Recessive and X-Linked Classification Criteria (2023). Collection method: clinical testing. Allele origin: unknown.
Comment: NM_000092.4(COL4A4):c.2312G>A(G771E) is a missense variant classified as likely pathogenic in the context of Alport syndrome, COL4A4-related. G771E has been observed in a case with relevant disease (PMID: 32939031). Relevant functional assessments of this variant are not available in the literature. Internal structural analysis of the variant is supportive of pathogenicity. G771E has been observed in referenced population frequency databases. In summary, NM_000092.4(COL4A4):c.2312G>A(G771E) is a missense variant that has internal structural support for pathogenicity and has been observed more frequently in cases with the relevant disease than in healthy populations. Please note: this variant was assessed in the context of healthy population screening.

Labcorp Genetics (formerly Invitae), Labcorp
Classification: Uncertain significance. Last evaluated: 2023-01-31. Review status: criteria provided, single submitter. Criteria: Invitae Variant Classification Sherloc (09022015). Collection method: clinical testing. Allele origin: germline.
Comment: This sequence change replaces glycine, which is neutral and non-polar, with glutamic acid, which is acidic and polar, at codon 771 of the COL4A4 protein (p.Gly771Glu). This variant is present in population databases (rs781660254, gnomAD 0.002%). This variant has not been reported in the literature in individuals affected with COL4A4-related conditions. ClinVar contains an entry for this variant (Variation ID: 975092). Advanced modeling of protein sequence and biophysical properties (such as structural, functional, and spatial information, amino acid conservation, physicochemical variation, residue mobility, and thermodynamic stability) performed at Invitae indicates that this missense variant is expected to disrupt COL4A4 protein function. In summary, the available evidence is currently insufficient to determine the role of this variant in disease. Therefore, it has been classified as a Variant of Uncertain Significance.

Institute of Human Genetics, Cologne University
Classification: Likely pathogenic for Hematuria, benign familial, 1. Last evaluated: 2022-04-27. Review status: criteria provided, single submitter. Criteria: ACMG Guidelines, 2015. Collection method: clinical testing. Allele origin: germline. Affected: yes.

Fulgent Genetics
Classification: Likely pathogenic for Hematuria, benign familial, 1; Autosomal recessive Alport syndrome. Last evaluated: 2021-06-30. Review status: criteria provided, single submitter. Criteria: ACMG Guidelines, 2015. Collection method: clinical testing. Allele origin: unknown.
Comment: This variant has been detected in individual(s) who were sent for testing of Renasight - kidney gene panel.

Victorian Clinical Genetics Services, Murdoch Childrens Research Institute
Classification: Uncertain significance for Hematuria, benign familial, 1. Last evaluated: 2018-06-28. Review status: criteria provided, single submitter. Criteria: ACMG Guidelines, 2015. Collection method: clinical testing. Allele origin: unknown. Affected: yes.
Comment: A heterozygous missense variant, NM_000092.4(COL4A4):c.2312G>A, has been identified in exon 44 of 48 of the COL4A4 gene. The variant is predicted to result in a moderate amino acid change from glycine to glutamine at position 1377 of the protein, NP_000083.3(COL4A4):p.(Gly771Glu). The glycine residue at this position has very high conservation (100 vertebrates, UCSC), and is located within a Gly-X-Y repeat at the triple-helical region of the gene. In silico predictions for this variant are consistently pathogenic (Polyphen, SIFT, CADD, Mutation Taster). The variant is present in the gnomAD database at a frequency of 0.00081% (2 heterozygotes, 0 homozygote). In addition, an alternate variant at the same residue, p.(Gly771Arg) is present at a frequency of 0.00041% (1 heterozygote, 0 homozygote). This variant has not been previously reported in clinical cases. Based on the information available at the time of curation, this variant has been classified as a VARIANT of UNCERTAIN SIGNIFICANCE (VUS) with POTENTIAL CLINICAL RELEVANCE.

Literature cited by the submitters: PubMed 35325889 (cited by 3 submitters); PubMed 32939031 (cited by Women's Health and Genetics/Laboratory Corporation of America, LabCorp and Myriad Genetics, Inc.).

NM_000092.5(COL4A4):c.2312G>A (p.Gly771Glu)

Gene: COL4A4 (collagen type IV alpha 4 chain; minus strand). Cytogenetic location: 2q36.3.
Variant type: single nucleotide variant.
Coding change: c.2312G>A on transcript NM_000092.5 (MANE Select); coding-DNA position 2312, G replaced by A.
Protein change: p.Gly771Glu; replaces glycine 771 with glutamic acid.
Molecular consequence: missense variant.
Genome position (GRCh38, 1-based): chr2:227,059,476, C>T on the plus strand (G>A on the coding strand, the complement: COL4A4 is on the minus strand). VCF-style: chr2-227059476-C-T. GRCh37 (hg19) VCF-style: chr2-227924192-C-T.
Other names: p.Gly771Glu; p.(Gly771Glu); short protein forms G771E.
Identifiers: ClinVar variation 975092 (VCV000975092.21), dbSNP rs781660254, ClinGen allele CA2144838.